The following is an entry in ClinVar:

NM_001105206.3(LAMA4):c.1310T>C (p.Phe437Ser)

Gene: LAMA4 (laminin subunit alpha 4; minus strand). Cytogenetic location: 6q21.
Variant type: single nucleotide variant.
Coding change: c.1310T>C on transcript NM_001105206.3 (MANE Select); coding-DNA position 1310, T replaced by C.
Protein change: p.Phe437Ser; replaces phenylalanine 437 with serine.
Molecular consequence: missense variant.
Genome position (GRCh38, 1-based): chr6:112,175,360, A>G on the plus strand (T>C on the coding strand, the complement: LAMA4 is on the minus strand). VCF-style: chr6-112175360-A-G. GRCh37 (hg19) VCF-style: chr6-112496562-A-G.
Other names: c.1289T>C, p.Phe430Ser (NM_001105207.3, NM_002290.5); c.1289T>C (NM_002290.3); short protein forms F430S, F437S.
Identifiers: ClinVar variation 1390385 (VCV001390385.7), dbSNP rs782766851, ClinGen allele CA3965816.

ClinVar aggregate classification (germline): Uncertain significance. Review status: criteria provided, multiple submitters, no conflicts (2 of 4 stars). 2 submissions from 2 submitters: Uncertain significance (2). Last evaluated 2023-05-15.

Conditions:
Cardiovascular phenotype. Identifiers: MedGen CN230736.
Dilated cardiomyopathy 1JJ (CMD1JJ). Identifiers: Orphanet 154, MedGen C3808935, MONDO:0014095, OMIM 615235.

Allele frequency attached by ClinVar (database versions not stated): gnomAD 0.00001; gnomAD exomes 0.00001; ExAC 0.00002.
gnomAD v4.1: 11 of 1,613,984 alleles (0.00068%); highest among the groups gnomAD compares: Non-Finnish European, 0.00093%; no homozygotes.

Submissions (2):

Ambry Genetics
Classification: Uncertain significance for Cardiovascular phenotype. Last evaluated: 2023-05-15. Review status: criteria provided, single submitter. Criteria: Ambry Variant Classification Scheme 2023. Collection method: clinical testing. Allele origin: germline.
Comment: The p.F430S variant (also known as c.1289T>C), located in coding exon 10 of the LAMA4 gene, results from a T to C substitution at nucleotide position 1289. The phenylalanine at codon 430 is replaced by serine, an amino acid with highly dissimilar properties. This amino acid position is conserved. In addition, this alteration is predicted to be tolerated by in silico analysis. Since supporting evidence is limited at this time, the clinical significance of this alteration remains unclear.

Labcorp Genetics (formerly Invitae), Labcorp
Classification: Uncertain significance for Dilated cardiomyopathy 1JJ. Last evaluated: 2022-02-27. Review status: criteria provided, single submitter. Criteria: Invitae Variant Classification Sherloc (09022015). Collection method: clinical testing. Allele origin: germline.
Comment: This variant is present in population databases (rs782766851, gnomAD 0.002%). This sequence change replaces phenylalanine, which is neutral and non-polar, with serine, which is neutral and polar, at codon 430 of the LAMA4 protein (p.Phe430Ser). This variant has not been reported in the literature in individuals affected with LAMA4-related conditions. In summary, the available evidence is currently insufficient to determine the role of this variant in disease. Therefore, it has been classified as a Variant of Uncertain Significance. Algorithms developed to predict the effect of missense changes on protein structure and function (SIFT, PolyPhen-2, Align-GVGD) all suggest that this variant is likely to be tolerated.